The following is an entry in ClinVar:

NM_177559.3(CSNK2A1):c.139C>G (p.Arg47Gly)

Gene: CSNK2A1 (casein kinase 2 alpha 1; minus strand). Cytogenetic location: 20p13.
Variant type: single nucleotide variant.
Coding change: c.139C>G on transcript NM_177559.3 (MANE Select); coding-DNA position 139, C replaced by G.
Protein change: p.Arg47Gly; replaces arginine 47 with glycine.
Molecular consequence: missense variant. On other transcripts: 5 prime UTR variant (1).
Genome position (GRCh38, 1-based): chr20:505,192, G>C on the plus strand (C>G on the coding strand, the complement: CSNK2A1 is on the minus strand). VCF-style: chr20-505192-G-C. GRCh37 (hg19) VCF-style: chr20-485836-G-C.
Other names: c.139C>G, p.Arg47Gly (NM_001362770.2, NM_001362771.2, NM_001895.4); c.-270C>G (NM_177560.3); short protein forms R47G.
Identifiers: ClinVar variation 280816 (VCV000280816.4), dbSNP rs886041956, ClinGen allele CA10603364.

ClinVar aggregate classification (germline): Pathogenic (1 of 4 stars; one submission).

Conditions:
Okur-Chung neurodevelopmental syndrome (OCNDS). Identifiers: Orphanet 689422, MedGen C4310739, MONDO:0014893, OMIM 617062.

Submission:

GeneDx
Classification: Pathogenic. Last evaluated: 2016-09-06. Review status: criteria provided, single submitter. Criteria: GeneDx Variant Classification (06012015). Collection method: clinical testing. Allele origin: germline. Affected: yes.
Comment: The R47G pathogenic variant in the CSNK2A1 gene has not been reported previously as a pathogenic variant nor as a benign variant, to our knowledge. This variant was not observed in approximately 6500 individuals of European and African American ancestry in the NHLBI Exome Sequencing Project, indicating it is not a common benign variant in these populations. The R47G variant is a non-conservative amino acid substitution, which is likely to impact secondary protein structure as these residues differ in polarity, charge, size and/or other properties. This substitution occurs at a position within the ATP nucleotide binding region of the protein kinase domain that is conserved across species. In silico analysis predicts this variant is probably damaging to the protein structure/function. A missense variant in the same residue (R47Q) has been reported in association with Okur-Chung neurodevelopmental syndrome (Okur et al., 2016), supporting the functional importance of this region of the protein. We interpret R47G as a pathogenic variant.